The following is an entry in ClinVar:

NM_001999.4(FBN2):c.3049C>A (p.Pro1017Thr)

Genes: FBN2 (fibrillin 2; minus strand), LOC126807501 (BRD4-independent group 4 enhancer GRCh37_chr5:127680731-127681930; plus strand). Cytogenetic location: 5q23.3.
Variant type: single nucleotide variant.
Coding change: c.3049C>A on transcript NM_001999.4 (MANE Select); coding-DNA position 3049, C replaced by A.
Protein change: p.Pro1017Thr; replaces proline 1017 with threonine.
Molecular consequence: missense variant.
Genome position (GRCh38, 1-based): chr5:128,345,525, G>T on the plus strand (C>A on the coding strand, the complement: FBN2 is on the minus strand). VCF-style: chr5-128345525-G-T. GRCh37 (hg19) VCF-style: chr5-127681217-G-T.
Other names: short protein forms P1017T.
Identifiers: ClinVar variation 1421211 (VCV001421211.8), dbSNP rs375187779, ClinGen allele CA127019016.

ClinVar aggregate classification (germline): Uncertain significance (1 of 4 stars; one submission).

Conditions:
Congenital contractural arachnodactyly (CCA). Also called: BEALS SYNDROME; Beals-Hecht syndrome; Arthrogryposis, distal, type 9. Identifiers: Orphanet 115, MedGen C0220668, MONDO:0007363, OMIM 121050.

Allele frequency attached by ClinVar (database versions not stated): TOPMed 0.00001.
gnomAD v4.1: 14 of 1,614,144 alleles (0.00087%); highest among the groups gnomAD compares: African/African-American, 0.0067%; no homozygotes.

Submission:

Labcorp Genetics (formerly Invitae), Labcorp
Classification: Uncertain significance for Congenital contractural arachnodactyly. Last evaluated: 2024-10-22. Review status: criteria provided, single submitter. Criteria: Invitae Variant Classification Sherloc (09022015). Collection method: clinical testing. Allele origin: germline.
Comment: This sequence change replaces proline, which is neutral and non-polar, with threonine, which is neutral and polar, at codon 1017 of the FBN2 protein (p.Pro1017Thr). This variant is not present in population databases (gnomAD no frequency). This variant has not been reported in the literature in individuals affected with FBN2-related conditions. ClinVar contains an entry for this variant (Variation ID: 1421211). Invitae Evidence Modeling of protein sequence and biophysical properties (such as structural, functional, and spatial information, amino acid conservation, physicochemical variation, residue mobility, and thermodynamic stability) indicates that this missense variant is not expected to disrupt FBN2 protein function with a negative predictive value of 80%. In summary, the available evidence is currently insufficient to determine the role of this variant in disease. Therefore, it has been classified as a Variant of Uncertain Significance.